The following is an entry in ClinVar:

NM_000384.3(APOB):c.4535G>A (p.Gly1512Asp)

Gene: APOB (apolipoprotein B; minus strand). Cytogenetic location: 2p24.1.
Variant type: single nucleotide variant.
Coding change: c.4535G>A on transcript NM_000384.3 (MANE Select); coding-DNA position 4535, G replaced by A.
Protein change: p.Gly1512Asp; replaces glycine 1512 with aspartic acid.
Molecular consequence: missense variant.
Genome position (GRCh38, 1-based): chr2:21,012,333, C>T on the plus strand (G>A on the coding strand, the complement: APOB is on the minus strand). VCF-style: chr2-21012333-C-T. GRCh37 (hg19) VCF-style: chr2-21235205-C-T.
Other names: c.4535G>A (NM_000384.2); short protein forms G1512D.
Identifiers: ClinVar variation 3760960 (VCV003760960.4).

ClinVar aggregate classification (germline): Uncertain significance. Review status: criteria provided, multiple submitters, no conflicts (2 of 4 stars). 2 submissions from 2 submitters: Uncertain significance (2). Last evaluated 2026-09-11.

Conditions:
Familial hypobetalipoproteinemia 1. Also called: APOB-Related Familial Hypobetalipoproteinemia; Hypobetalipoproteinemia, normotriglyceridemic; Acanthocytosis with hypobetalipoproteinemia. Identifiers: MedGen C4551990, MONDO:0014252, OMIM 615558.
Hypercholesterolemia, autosomal dominant, type B (FHCL2). Also called: Familial Hypercholesterolemia Type B; APOLIPOPROTEIN B-100, FAMILIAL DEFECTIVE; APOLIPOPROTEIN B-100, FAMILIAL LIGAND-DEFECTIVE; HYPERCHOLESTEROLEMIA, FAMILIAL, DUE TO LIGAND-DEFECTIVE APOLIPOPROTEIN B; Hyperlipoproteinemia Type IIb; APOB-Related Familial Hypercholesterolemia, Autosomal Dominant. Identifiers: MedGen C1704417, MONDO:0007751, OMIM 144010.
Cardiovascular phenotype. Identifiers: MedGen CN230736.

Submissions (2):

Ambry Genetics
Classification: Uncertain significance for Cardiovascular phenotype. Last evaluated: 2026-09-11. Review status: criteria provided, single submitter. Criteria: Ambry Variant Classification Scheme 2023. Collection method: clinical testing. Allele origin: germline.
Comment: The p.G1512D variant (also known as c.4535G>A), located in coding exon 26 of the APOB gene, results from a G to A substitution at nucleotide position 4535. The glycine at codon 1512 is replaced by aspartic acid, an amino acid with similar properties. This amino acid position is conserved. In addition, this alteration is predicted to be tolerated by in silico analysis. Based on the available evidence, the clinical significance of this variant remains unclear.

Labcorp Genetics (formerly Invitae), Labcorp
Classification: Uncertain significance for Familial hypobetalipoproteinemia 1; Hypercholesterolemia, autosomal dominant, type B. Last evaluated: 2024-03-03. Review status: criteria provided, single submitter. Criteria: Invitae Variant Classification Sherloc (09022015). Collection method: clinical testing. Allele origin: germline.
Comment: This sequence change replaces glycine, which is neutral and non-polar, with aspartic acid, which is acidic and polar, at codon 1512 of the APOB protein (p.Gly1512Asp). This variant is not present in population databases (gnomAD no frequency). This variant has not been reported in the literature in individuals affected with APOB-related conditions. Advanced modeling of protein sequence and biophysical properties (such as structural, functional, and spatial information, amino acid conservation, physicochemical variation, residue mobility, and thermodynamic stability) performed at Invitae indicates that this missense variant is not expected to disrupt APOB protein function with a negative predictive value of 95%. In summary, the available evidence is currently insufficient to determine the role of this variant in disease. Therefore, it has been classified as a Variant of Uncertain Significance.